The following is an entry in ClinVar:

NM_177550.5(SLC13A5):c.1468A>G (p.Ile490Val)

Gene: SLC13A5 (solute carrier family 13 member 5; minus strand). Cytogenetic location: 17p13.1.
Variant type: single nucleotide variant.
Coding change: c.1468A>G on transcript NM_177550.5 (MANE Select); coding-DNA position 1468, A replaced by G.
Protein change: p.Ile490Val; replaces isoleucine 490 with valine.
Molecular consequence: missense variant. On other transcripts: intron variant (1).
Genome position (GRCh38, 1-based): chr17:6,687,636, T>C on the plus strand (A>G on the coding strand, the complement: SLC13A5 is on the minus strand). VCF-style: chr17-6687636-T-C. GRCh37 (hg19) VCF-style: chr17-6590955-T-C.
Other names: c.1417A>G, p.Ile473Val (NM_001284509.2); c.1339A>G, p.Ile447Val (NM_001284510.2); c.1438-1298A>G (NM_001143838.3); short protein forms I447V, I473V, I490V.
Identifiers: ClinVar variation 1302322 (VCV001302322.2), dbSNP rs2150961827, ClinGen allele CA397738388.

ClinVar aggregate classification (germline): Uncertain significance (1 of 4 stars; one submission).

gnomAD v4.1: 1 of 1,609,588 alleles (0.000062%); highest among the groups gnomAD compares: Non-Finnish European, 0.000085%; no homozygotes.

Submission:

GeneDx
Classification: Uncertain significance. Last evaluated: 2019-06-25. Review status: criteria provided, single submitter. Criteria: GeneDx Variant Classification Process June 2021. Collection method: clinical testing. Allele origin: germline. Affected: yes.
Comment: Not observed in large population cohorts (Lek et al., 2016); In silico analysis, which includes protein predictors and evolutionary conservation, supports that this variant does not alter protein structure/function; Has not been previously published as pathogenic or benign to our knowledge